The following is an entry in ClinVar:

NM_003922.4(HERC1):c.9319C>T (p.Arg3107Cys)

Gene: HERC1 (HECT and RLD domain containing E3 ubiquitin protein ligase family member 1; minus strand). Cytogenetic location: 15q22.31.
Variant type: single nucleotide variant.
Coding change: c.9319C>T on transcript NM_003922.4 (MANE Select); coding-DNA position 9319, C replaced by T.
Protein change: p.Arg3107Cys; replaces arginine 3107 with cysteine.
Molecular consequence: missense variant.
Genome position (GRCh38, 1-based): chr15:63,659,841, G>A on the plus strand (C>T on the coding strand, the complement: HERC1 is on the minus strand). VCF-style: chr15-63659841-G-A. GRCh37 (hg19) VCF-style: chr15-63952040-G-A.
Other names: short protein forms R3107C.
Identifiers: ClinVar variation 4070614 (VCV004070614.1).

ClinVar aggregate classification (germline): Uncertain significance (1 of 4 stars; one submission).

gnomAD v4.1: 33 of 1,613,610 alleles (0.002%); highest among the groups gnomAD compares: East Asian, 0.011%; no homozygotes.

Submission:

GeneDx
Classification: Uncertain significance. Last evaluated: 2025-01-14. Review status: criteria provided, single submitter. Criteria: GeneDx Variant Classification Process June 2021. Collection method: clinical testing. Allele origin: germline. Affected: yes.
Comment: In silico analysis supports that this missense variant has a deleterious effect on protein structure/function; Has not been previously published as pathogenic or benign to our knowledge